The following is an entry in ClinVar:

ClinVar aggregate classification (germline): Uncertain significance (1 of 4 stars; one submission).

Conditions:
Dilated cardiomyopathy 1JJ (CMD1JJ). Identifiers: Orphanet 154, MedGen C3808935, MONDO:0014095, OMIM 615235.

Allele frequency attached by ClinVar (database versions not stated): 1000 Genomes Project 30x 0.00016; 1000 Genomes Project 0.00020.
gnomAD v4.1: 1 of 1,613,912 alleles (0.000062%); highest among the groups gnomAD compares: East Asian, 0.0022%; no homozygotes.

Submission:

Labcorp Genetics (formerly Invitae), Labcorp
Classification: Uncertain significance for Dilated cardiomyopathy 1JJ. Last evaluated: 2026-01-15. Review status: criteria provided, single submitter. Criteria: Invitae Variant Classification Sherloc (09022015). Collection method: clinical testing. Allele origin: germline.
Comment: This sequence change replaces alanine, which is neutral and non-polar, with glycine, which is neutral and non-polar, at codon 152 of the LAMA4 protein (p.Ala152Gly). This variant is not present in population databases (gnomAD no frequency). This variant has not been reported in the literature in individuals affected with LAMA4-related conditions. ClinVar contains an entry for this variant (Variation ID: 1003174). An algorithm developed to predict the effect of missense changes on protein structure and function (PolyPhen-2) suggests that this variant is likely to be tolerated. In summary, the available evidence is currently insufficient to determine the role of this variant in disease. Therefore, it has been classified as a Variant of Uncertain Significance.

NM_001105206.3(LAMA4):c.455C>G (p.Ala152Gly)

Gene: LAMA4 (laminin subunit alpha 4; minus strand). Cytogenetic location: 6q21.
Variant type: single nucleotide variant.
Coding change: c.455C>G on transcript NM_001105206.3 (MANE Select); coding-DNA position 455, C replaced by G.
Protein change: p.Ala152Gly; replaces alanine 152 with glycine.
Molecular consequence: missense variant.
Genome position (GRCh38, 1-based): chr6:112,201,656, G>C on the plus strand (C>G on the coding strand, the complement: LAMA4 is on the minus strand). VCF-style: chr6-112201656-G-C. GRCh37 (hg19) VCF-style: chr6-112522857-G-C.
Other names: c.455C>G, p.Ala152Gly (NM_001105207.3, NM_002290.5); short protein forms A152G.
Identifiers: ClinVar variation 1003174 (VCV001003174.9), dbSNP rs138802750, ClinGen allele CA144889042.